The following is an entry in ClinVar:

ClinVar aggregate classification (germline): Uncertain significance (1 of 4 stars; one submission).

Submission:

ARUP Laboratories, Molecular Genetics and Genomics, ARUP Laboratories
Classification: Uncertain significance. Last evaluated: 2021-01-05. Review status: criteria provided, single submitter. Criteria: ARUP Molecular Germline Variant Investigation Process 2021. Collection method: clinical testing. Allele origin: germline.
Comment: The RASA1 c.1934+4A>G variant, to our knowledge, is not reported in the medical literature or gene specific databases. This variant is also absent from general population databases (Exome VariantServer, Genome Aggregation Database), indicating it is not a common polymorphism. This is an intronic variant in a highly conserved nucleotide, and computational analyses (Alamut v.2.11) predict that this variant may impact splicing by weakening the nearby canonical donor splice site. Based on available information, this variant is considered to be likely pathogenic.

NM_002890.3(RASA1):c.1934+4A>G

Genes: CCNH (cyclin H; minus strand), RASA1 (RAS p21 protein activator 1; plus strand). Cytogenetic location: 5q14.3.
Variant type: single nucleotide variant.
Coding change: c.1934+4A>G on transcript NM_002890.3 (MANE Select); 4 bases into the intron after coding-DNA position 1934, A replaced by G.
Molecular consequence: intron variant.
Genome position (GRCh38, 1-based): chr5:87,374,324, A>G. VCF-style: chr5-87374324-A-G. GRCh37 (hg19) VCF-style: chr5-86670141-A-G.
Other names: c.1403+4A>G (NM_022650.3); c.933+20720T>C (NM_001364075.2).
Identifiers: ClinVar variation 1330933 (VCV001330933.7), dbSNP rs2112485058, ClinGen allele CA2573052539.
Genomic context (GRCh38, chr5:87,374,324, plus strand): 5'-AAAAACTCATGCAAGGGAAGGGCAAAACCCAGTATGGTCAGAAGAGTTTGTCTTTGAGTA[A>G]GTCTTATTTTATCATTACATTAATCATTTTCTTTTACCATATTGCATTTCTTTCTGTTTT-3'